The following is an entry in ClinVar:

ClinVar aggregate classification (germline): Uncertain significance (1 of 4 stars; one submission).

Conditions:
COL8A2-related disorder. Also called: COL8A2-related condition.

Submissions (2):

PreventionGenetics, part of Exact Sciences
Classification: Uncertain significance for COL8A2-related condition. Last evaluated: 2025-06-28. Review status: criteria provided, single submitter. Criteria: ACMG Guidelines, 2015. Collection method: clinical testing. Allele origin: germline.
Comment: The COL8A2 c.362G>A variant is predicted to result in the amino acid substitution p.Arg121Gln. To our knowledge, this variant has not been reported in the literature. This variant is reported in 0.0068% of alleles in individuals of Latino descent in gnomAD. At this time, the clinical significance of this variant is uncertain due to the absence of conclusive functional and genetic evidence.

Dr. Peter K. Rogan Lab, Western University
No classification provided (evidence only). Condition: Ovarian serous cystadenocarcinoma. Review status: no classification provided. Collection method: in vitro. Allele origin: not applicable. Functional consequence: retained intron. Not counted in ClinVar's aggregate classification.

NM_005202.4(COL8A2):c.362G>A (p.Arg121Gln)

Gene: COL8A2 (collagen type VIII alpha 2 chain; minus strand). Cytogenetic location: 1p34.3.
Variant type: single nucleotide variant.
Coding change: c.362G>A on transcript NM_005202.4 (MANE Select); coding-DNA position 362, G replaced by A.
Protein change: p.Arg121Gln; replaces arginine 121 with glutamine.
Molecular consequence: missense variant.
Genome position (GRCh38, 1-based): chr1:36,099,319, C>T on the plus strand (G>A on the coding strand, the complement: COL8A2 is on the minus strand). VCF-style: chr1-36099319-C-T. GRCh37 (hg19) VCF-style: chr1-36564920-C-T.
Other names: NC_000001.10:g.36564920C>T; c.167G>A, p.Arg56Gln (NM_001294347.2); c.362G>A (NM_005202.3); short protein forms R121Q, R56Q.
Identifiers: ClinVar variation 4422405 (VCV004422405.2).